The following is an entry in ClinVar:

ClinVar aggregate classification (germline): Pathogenic (1 of 4 stars; one submission).

Conditions:
Developmental and epileptic encephalopathy, 81. Also called: EPILEPTIC ENCEPHALOPATHY, EARLY INFANTILE, 81. Identifiers: MedGen C5231450, MONDO:0032858, OMIM 618663.

Submission:

3billion
Classification: Pathogenic for Developmental and epileptic encephalopathy, 81. Last evaluated: 2023-12-07. Review status: criteria provided, single submitter. Criteria: ACMG Guidelines, 2015. Collection method: clinical testing. Allele origin: germline. Affected: yes.
Comment: The variant is not observed in the gnomAD v2.1.1 dataset. Predicted Consequence/Location: Stop-gained (nonsense): predicted to result in a loss or disruption of normal protein function through nonsense-mediated decay (NMD) or protein truncation. Multiple pathogenic variants are reported downstream of the variant. Therefore, this variant is classified as Pathogenic according to the recommendation of ACMG/AMP guideline.

NM_001378457.1(DMXL2):c.3295G>T (p.Glu1099Ter)

Gene: DMXL2 (Dmx like 2; minus strand). Cytogenetic location: 15q21.2.
Variant type: single nucleotide variant.
Coding change: c.3295G>T on transcript NM_001378457.1 (MANE Select); coding-DNA position 3295, G replaced by T.
Protein change: p.Glu1099Ter; replaces glutamic acid 1099 with a stop codon.
Molecular consequence: nonsense. On other transcripts: non-coding transcript variant (2), intron variant (2).
Genome position (GRCh38, 1-based): chr15:51,499,929, C>A on the plus strand (G>T on the coding strand, the complement: DMXL2 is on the minus strand). VCF-style: chr15-51499929-C-A. GRCh37 (hg19) VCF-style: chr15-51792126-C-A.
Other names: c.3295G>T, p.Glu1099Ter (NM_001174116.3, NM_001378458.1, NM_001378459.1 and 4 more transcripts); c.3055G>T, p.Glu1019Ter (NM_001378464.1); c.2764+7205G>T (NM_001378460.1); c.2765-4795G>T (NM_001174117.3); short protein forms E1019*, E1099*.
Identifiers: ClinVar variation 3775539 (VCV003775539.1).